The following is an entry in ClinVar:

NM_000286.3(PEX12):c.1008C>A (p.His336Gln)

Gene: PEX12 (peroxisomal biogenesis factor 12; minus strand). Cytogenetic location: 17q12.
Variant type: single nucleotide variant.
Coding change: c.1008C>A on transcript NM_000286.3 (MANE Select); coding-DNA position 1008, C replaced by A.
Protein change: p.His336Gln; replaces histidine 336 with glutamine.
Molecular consequence: missense variant.
Genome position (GRCh38, 1-based): chr17:35,575,854, G>T on the plus strand (C>A on the coding strand, the complement: PEX12 is on the minus strand). VCF-style: chr17-35575854-G-T. GRCh37 (hg19) VCF-style: chr17-33902873-G-T.
Other names: short protein forms H336Q.
Identifiers: ClinVar variation 1408885 (VCV001408885.8), dbSNP rs1291823697, ClinGen allele CA399136907.

ClinVar aggregate classification (germline): Uncertain significance (1 of 4 stars; one submission).

Conditions:
Peroxisome biogenesis disorder 3A (Zellweger). Also called: Peroxisome biogenesis disorder 3A; PEROXISOMAL BIOGENESIS DISORDER 3A (ZELLWEGER). Identifiers: Orphanet 912, MedGen C3553929, MONDO:0013927, OMIM 614859.

Allele frequency attached by ClinVar (database versions not stated): TOPMed 0.00001.

Submission:

Labcorp Genetics (formerly Invitae), Labcorp
Classification: Uncertain significance for Peroxisome biogenesis disorder 3A (Zellweger). Last evaluated: 2024-04-24. Review status: criteria provided, single submitter. Criteria: Invitae Variant Classification Sherloc (09022015). Collection method: clinical testing. Allele origin: germline.
Comment: This sequence change replaces histidine, which is basic and polar, with glutamine, which is neutral and polar, at codon 336 of the PEX12 protein (p.His336Gln). This variant is not present in population databases (gnomAD no frequency). This variant has not been reported in the literature in individuals affected with PEX12-related conditions. ClinVar contains an entry for this variant (Variation ID: 1408885). Advanced modeling of protein sequence and biophysical properties (such as structural, functional, and spatial information, amino acid conservation, physicochemical variation, residue mobility, and thermodynamic stability) performed at Invitae indicates that this missense variant is not expected to disrupt PEX12 protein function with a negative predictive value of 80%. In summary, the available evidence is currently insufficient to determine the role of this variant in disease. Therefore, it has been classified as a Variant of Uncertain Significance.